The following is an entry in ClinVar:

NM_000263.4(NAGLU):c.934G>A (p.Asp312Asn)

Gene: NAGLU (N-acetyl-alpha-glucosaminidase; plus strand). Cytogenetic location: 17q21.2.
Variant type: single nucleotide variant.
Coding change: c.934G>A on transcript NM_000263.4 (MANE Select); coding-DNA position 934, G replaced by A.
Protein change: p.Asp312Asn; replaces aspartic acid 312 with asparagine.
Molecular consequence: missense variant.
Genome position (GRCh38, 1-based): chr17:42,541,119, G>A. VCF-style: chr17-42541119-G-A. GRCh37 (hg19) VCF-style: chr17-40693137-G-A.
Other names: short protein forms D312N.
Identifiers: ClinVar variation 437446 (VCV000437446.28), dbSNP rs1052471595, ClinGen allele CA290778699.

ClinVar aggregate classification (germline): Pathogenic/Likely pathogenic. Review status: criteria provided, multiple submitters, no conflicts (2 of 4 stars). 13 submissions from 13 submitters: Pathogenic (7); Likely pathogenic (3). 3 of the submissions do not count toward it. Last evaluated 2026-01-18.

Conditions:
NAGLU-related disorder. Also called: NAGLU-related condition.
Inborn genetic diseases. Identifiers: MedGen C0950123, MeSH D030342.
Mucopolysaccharidosis, MPS-III-B (MPS3B). Also called: N-ACETYL-ALPHA-D-GLUCOSAMINIDASE DEFICIENCY; NAGLU DEFICIENCY; MUCOPOLYSACCHARIDOSIS, TYPE IIIB; SANFILIPPO SYNDROME B; Mucopolysaccharidosis type IIIB (Sanfilippo B); MPS IIIB (Sanfilippo Syndrome Type B). Identifiers: Orphanet 79270, MedGen C0086648, MONDO:0009656, OMIM 252920.
Charcot-Marie-Tooth disease axonal type 2V. Also called: CHARCOT-MARIE-TOOTH NEUROPATHY, TYPE 2V; CHARCOT-MARIE-TOOTH DISEASE, AXONAL, AUTOSOMAL DOMINANT, TYPE 2V. Identifiers: Orphanet 447964, MedGen C5569050, MONDO:0014665, OMIM 616491.
Tip-toe gait. Also called: Toe walking. Identifiers: MedGen C0427144, HP:0030051.

Allele frequency attached by ClinVar (database versions not stated): gnomAD 0.00001; gnomAD exomes below 0.00001; TOPMed 0.00002.
gnomAD v4.1: 60 of 1,613,902 alleles (0.0037%); highest among the groups gnomAD compares: Non-Finnish European, 0.0049%; no homozygotes.

Submissions (13):

Labcorp Genetics (formerly Invitae), Labcorp
Classification: Pathogenic for Charcot-Marie-Tooth disease axonal type 2V; Mucopolysaccharidosis, MPS-III-B. Last evaluated: 2026-01-18. Review status: criteria provided, single submitter. Criteria: Invitae Variant Classification Sherloc (09022015). Collection method: clinical testing. Allele origin: germline.
Comment: This sequence change replaces aspartic acid, which is acidic and polar, with asparagine, which is neutral and polar, at codon 312 of the NAGLU protein (p.Asp312Asn). This variant is present in population databases (no rsID available, gnomAD 0.003%). This missense change has been observed in individuals with Mucopolysaccharidosis type III and/or NAGLU-related conditions (PMID: 21204211, 28844463, 29269699, 31969655, 32883051, 33747789, 34396902). ClinVar contains an entry for this variant (Variation ID: 437446). Invitae Evidence Modeling of protein sequence and biophysical properties (such as structural, functional, and spatial information, amino acid conservation, physicochemical variation, residue mobility, and thermodynamic stability) has been performed for this missense variant. However, the output from this modeling did not meet the statistical confidence thresholds required to predict the impact of this variant on NAGLU protein function. For these reasons, this variant has been classified as Pathogenic.

GeneDx
Classification: Pathogenic. Last evaluated: 2025-06-30. Review status: criteria provided, single submitter. Criteria: GeneDx Variant Classification Process June 2021. Collection method: clinical testing. Allele origin: germline. Affected: yes.
Comment: Not observed at significant frequency in large population cohorts (gnomAD); In silico analysis supports that this missense variant has a deleterious effect on protein structure/function; This variant is associated with the following publications: (PMID: 25525159, 28844463, 21204211, 34426522, 34396902, 32883051, 31969655, 29269699, 33747789)

Natera, Inc.
Classification: Pathogenic for Mucopolysaccharidosis type IIIB. Last evaluated: 2025-02-17. Review status: criteria provided, single submitter. Criteria: Natera Variant Classification Schema (03/2026). Collection method: clinical testing. Allele origin: germline.
Comment: The c.934G>A variant in NAGLU is a missense variant predicted to cause substitution of aspartic acid to asparagine at amino acid 312. This variant is rare in the general population with a frequency below the threshold expected for the associated phenotype(s). This variant has been observed in one or more individuals affected with the associated recessive disease, as either homozygous or compound heterozygous with a second variant (PMID: 28844463, 29269699, 21204211). Computational prediction algorithms indicate this variant is likely to affect gene or protein function. Given the available evidence, this variant is classified as Pathogenic.

3billion
Classification: Pathogenic for Mucopolysaccharidosis, MPS-III-B. Last evaluated: 2024-08-21. Review status: criteria provided, single submitter. Criteria: ACMG Guidelines, 2015. Collection method: clinical testing. Allele origin: germline. Affected: yes.
Comment: The variant is observed at an extremely low frequency in the gnomAD v4.0.0 dataset (total allele frequency: 0.004%). Predicted Consequence/Location: Missense variant In silico tool predictions suggest damaging effect of the variant on gene or gene product [REVEL: 0.92 (>=0.6, sensitivity 0.68 and specificity 0.92); 3Cnet: 0.99 (>=0.6, sensitivity 0.72 and precision 0.9)]. The same nucleotide change resulting in the same amino acid change has been previously reported as pathogenic/likely pathogenic with strong evidence (ClinVar ID: VCV000437446 /PMID: 21204211 /3billion dataset). Different missense changes at the same codon (p.Asp312Ala, p.Asp312His) have been reported as pathogenic/likely pathogenic with strong evidence (ClinVar ID: VCV002021561, VCV002048997). Therefore, this variant is classified as Pathogenic according to the recommendation of ACMG/AMP guideline.

Fulgent Genetics
Classification: Likely pathogenic for Mucopolysaccharidosis, MPS-III-B; Charcot-Marie-Tooth disease axonal type 2V. Last evaluated: 2024-02-12. Review status: criteria provided, single submitter. Criteria: ACMG Guidelines, 2015. Collection method: clinical testing. Allele origin: germline.

Blueprint Genetics
Classification: Pathogenic for NAGLU-related disorders. Last evaluated: 2022-07-28. Review status: criteria provided, single submitter. Criteria: ACMG Guidelines, 2015. Collection method: clinical testing. Allele origin: germline. Affected: yes. Observed: 1 variant allele.

Women's Health and Genetics/Laboratory Corporation of America, LabCorp
Classification: Pathogenic for Mucopolysaccharidosis, MPS-III-B. Last evaluated: 2021-12-15. Review status: criteria provided, single submitter. Criteria: LabCorp Variant Classification Summary - May 2015. Collection method: clinical testing. Allele origin: germline.
Comment: Variant summary: NAGLU c.934G>A (p.Asp312Asn) results in a conservative amino acid change located in the Alpha-N-acetylglucosaminidase, tim-barrel domain (IPR024733) of the encoded protein sequence. Four of five in-silico tools predict a damaging effect of the variant on protein function. The variant allele was found at a frequency of 4e-06 in 251390 control chromosomes. c.934G>A has been reported in the literature as homozygous and compound heterozygous genotypes in multiple individuals affected with Mucopolysaccharidosis Type IIIB (Sanfilippo Syndrome B) (example, Heron_2010, Yassaee_2017, Ozkinay_2021). These data indicate that the variant is very likely to be associated with disease. To our knowledge, no variant specific experimental evidence demonstrating an impact on protein function has been reported. Although some patients ascertained above were reported as having decreased alpha-N-acetylglucosaminidase enzyme activity without presenting the primary data (example, Ozkinay_2021). Six clinical diagnostic laboratories have submitted clinical-significance assessments for this variant to ClinVar after 2014 without evidence for independent evaluation. Multiple laboratories reported the variant with conflicting assessments (Pathogenic/Likely Pathogenic, n=4; VUS, n=2). Based on the evidence outlined above, the variant was classified as pathogenic.

Mendelics
Classification: Likely pathogenic for Mucopolysaccharidosis, MPS-III-B. Last evaluated: 2019-05-28. Review status: criteria provided, single submitter. Criteria: Mendelics Assertion Criteria 2017. Collection method: clinical testing. Allele origin: unknown.

Genomic Research Center, Shahid Beheshti University of Medical Sciences
Classification: Pathogenic for Mucopolysaccharidosis, MPS-III-B. Last evaluated: 2018-08-07. Review status: criteria provided, single submitter. Criteria: ACMG Guidelines, 2015. Collection method: clinical testing. Allele origin: inherited. Affected: yes. Observed: 2 variant alleles.

Ambry Genetics
Classification: Likely pathogenic for Inborn genetic diseases. Last evaluated: 2017-03-15. Review status: criteria provided, single submitter. Criteria: Ambry exome assertion method (8-5-2015). Collection method: clinical testing. Allele origin: germline. Affected: yes. Observed: 1 variant allele.

Practice for Gait Abnormalities, David Pomarino, Competency Network Toe Walking C/o Practice Pomarino
Classification: Likely pathogenic for Tip-toe gait. Last evaluated: 2022-12-14. Review status: flagged submission. Collection method: clinical testing. Allele origin: germline. Affected: yes. Not counted in ClinVar's aggregate classification.
Comment: Hereditary motor sensory neuropathy (HMSN), also known as Charcot-Marie-Tooth Disease (CMT), is the most commonly inherited peripheral polyneuropathy. It constitutes a group of inherited, progressive, motor and sensory peripheral nerve disorders with properties of demyelination, axonal degeneration, or both. It is classified by clinical characteristics, modes of inheritance, electrophysiologic features, metabolic defects, and specific gene markers. Our patients all walk on tiptoe, so they show similar symptoms. When we genetically test them with our toe walking panel, we find that around 90 per cent of them have a genetic variant that explains their toe walking. These can be assigned, for example, to the area of myopathies (such as variants of the COL6A3 gene), the area of hereditary neuropathies (such as variants of the KMT2C gene) or the area of metabolic diseases (such as variants of the PYGM gene). In a smaller group of patients with almost identical symptoms, no abnormality is found in the genes of our panel, but spastic paraplegia can be detected. In another small group of our toe walkers, no abnormalities can be detected in the genes analysed in our toe walking panel, nor do they suffer from spastic paraplegia, as is also the case with healthy children. In contrast to these, however, they show a tiptoe gait. These patients suffer from infantile cerebral palsy, in which toe walking can also be observed.
ClinVar note: Notes: This gene has insufficient supporting evidence for isolated Tip-Toe Gait.
ClinVar note: Reason: Claim with insufficient supporting evidence

New York Genome Center
Classification: Uncertain significance for Mucopolysaccharidosis, MPS-III-B. Last evaluated: 2020-05-07. Review status: flagged submission. Criteria: NYGC Assertion Criteria 2020. Collection method: clinical testing. Allele origin: germline. Observed: 1 heterozygote. Study: CSER-NYCKidSeq. Not counted in ClinVar's aggregate classification.
ClinVar note: Reason: Outlier claim with insufficient supporting evidence

Counsyl
Classification: Uncertain significance for Mucopolysaccharidosis, MPS-III-B. Last evaluated: 2017-09-24. Review status: flagged submission. Collection method: clinical testing. Allele origin: unknown. Not counted in ClinVar's aggregate classification.
ClinVar note: Reason: Outlier claim with insufficient supporting evidence

Literature cited by the submitters: PubMed 21204211 (cited by 5 submitters); PubMed 28844463 (cited by 3 submitters); PubMed 29269699 (cited by Labcorp Genetics (formerly Invitae), Labcorp and Natera, Inc.); PubMed 31969655 (cited by Labcorp Genetics (formerly Invitae), Labcorp); PubMed 32883051 (cited by Labcorp Genetics (formerly Invitae), Labcorp); PubMed 33747789 (cited by Labcorp Genetics (formerly Invitae), Labcorp and Women's Health and Genetics/Laboratory Corporation of America, LabCorp); PubMed 34396902 (cited by Labcorp Genetics (formerly Invitae), Labcorp); PubMed 21937992 (cited by Genomic Research Center, Shahid Beheshti University of Medical Sciences); PubMed 12202988 (cited by Ambry Genetics); PubMed 37091313 (cited by Practice for Gait Abnormalities, David Pomarino, Competency Network Toe Walking C/o Practice Pomarino); PubMed 25525159 (cited by Counsyl).